The following is an entry in ClinVar:

NM_172107.4(KCNQ2):c.2330_2331dup (p.Glu778fs)

Gene: KCNQ2 (potassium voltage-gated channel subfamily Q member 2; minus strand). Cytogenetic location: 20q13.33.
Variant type: Duplication.
Coding change: c.2330_2331dup on transcript NM_172107.4 (MANE Select); coding-DNA positions 2330 to 2331, 2 bases duplicated (CC; older notation c.2330_2331dupCC).
Protein change: p.Glu778fs; shifts the reading frame from glutamic acid 778.
Molecular consequence: frameshift variant.
Genome position (GRCh38, 1-based): chr20:63,406,932-63,406,933, GG duplicated on the plus strand (CC on the coding strand, the reverse complement: KCNQ2 is on the minus strand); duplicating any 2 consecutive bases within chr20:63,406,932-63,406,937 gives the same sequence; the c. name uses the placement nearest the transcript's 3' end. VCF-style (leftmost placement, unchanged base first): chr20-63406931-C-CGG. GRCh37 (hg19) VCF-style: chr20-62038284-C-CGG.
Other names: c.2384_2385dup, p.Glu796fs (NM_001382235.1); c.2246_2247dup, p.Glu750fs (NM_004518.6); c.2276_2277dup, p.Glu760fs (NM_172106.3); c.2237_2238dup, p.Glu747fs (NM_172108.5); short protein forms E747fs, E750fs, E760fs, E778fs, E796fs.
Identifiers: ClinVar variation 2500788 (VCV002500788.2), dbSNP rs2516096143, ClinGen allele CA2573130266.

ClinVar aggregate classification (germline): Pathogenic (1 of 4 stars; one submission).

Conditions:
Developmental and epileptic encephalopathy, 7 (DEE7). Also called: Early infantile epileptic encephalopathy 7; KCNQ2-Related Neonatal-Onset Developmental and Epileptic Encephalopathy (NEO-DEE); KCNQ2-Related Neonatal Epileptic Encephalopathy. Identifiers: Orphanet 439218, MedGen C3150986, MONDO:0013387, OMIM 613720.

Submission:

Victorian Clinical Genetics Services, Murdoch Childrens Research Institute
Classification: Pathogenic for Developmental and epileptic encephalopathy, 7. Last evaluated: 2026-01-20. Review status: criteria provided, single submitter. Criteria: ACMG Guidelines, 2015. Collection method: clinical testing. Allele origin: germline. Affected: yes.
Comment: This variant is classified as Pathogenic. Evidence in support of pathogenic classification: Variant is predicted to result in an elongated protein; Variant is absent from gnomAD (v2, v3 and v4); Other protein elongation variants comparable to the one identified in this case have very strong previous evidence for pathogenicity (DECIPHER); Additional information: This variant is heterozygous; This gene is associated with autosomal dominant disease; Dominant negative and loss of function are known mechanisms of disease in this gene and are associated with developmental and epileptic encephalopathy 7 (DEE; MIM#613720) and benign neonatal seizures 1 (BFNS1; MIM#121200), respectively (PMID: 20437616). There is currently no phenotypic correlation in terms of variant types or location (PMID: 31418850); The condition associated with this gene has incomplete penetrance; however, this is only reported for individuals with BFNS1 (PMID: 25959266).

Literature cited by the submitters: PubMed 20437616; PubMed 31418850; PubMed 25959266.